The following is an entry in ClinVar:

NM_000875.5(IGF1R):c.873C>T (p.Ser291=)

Gene: IGF1R (insulin like growth factor 1 receptor; plus strand). Cytogenetic location: 15q26.3.
Variant type: single nucleotide variant.
Coding change: c.873C>T on transcript NM_000875.5 (MANE Select); coding-DNA position 873, C replaced by T.
Protein change: p.Ser291=; no amino-acid change (serine 291 retained).
Molecular consequence: synonymous variant.
Genome position (GRCh38, 1-based): chr15:98,891,557, C>T. VCF-style: chr15-98891557-C-T. GRCh37 (hg19) VCF-style: chr15-99434786-C-T.
Other names: c.873C>T, p.Ser291= (NM_001291858.2).
Identifiers: ClinVar variation 731740 (VCV000731740.28), dbSNP rs201304073, ClinGen allele CA7751928.

ClinVar aggregate classification (germline): Likely benign. Review status: criteria provided, multiple submitters, no conflicts (2 of 4 stars). 4 submissions from 4 submitters: Likely benign (4). Last evaluated 2026-07-01.

Allele frequency attached by ClinVar (database versions not stated): TOPMed 0.00021; ExAC 0.00022; ESP Exome Variant Server 0.00023; gnomAD 0.00023 and 0.00025; gnomAD exomes 0.00024.
gnomAD v4.1: 587 of 1,609,776 alleles (0.036%); highest among the groups gnomAD compares: Non-Finnish European, 0.046%; no homozygotes.

Submissions (4):

CeGaT Center for Human Genetics Tuebingen
Classification: Likely benign. Last evaluated: 2026-07-01. Review status: criteria provided, single submitter. Criteria: CeGaT Center For Human Genetics Tuebingen Variant Classification Criteria Version 2. Collection method: clinical testing. Allele origin: germline. Affected: yes. Observed: 2 variant alleles.
Comment: IGF1R: BP4, BP7

Labcorp Genetics (formerly Invitae), Labcorp
Classification: Likely benign. Last evaluated: 2026-01-27. Review status: criteria provided, single submitter. Criteria: Invitae Variant Classification Sherloc (09022015). Collection method: clinical testing. Allele origin: germline.

Women's Health and Genetics/Laboratory Corporation of America, LabCorp
Classification: Likely benign. Last evaluated: 2024-11-25. Review status: criteria provided, single submitter. Criteria: LabCorp Variant Classification Summary - May 2015. Collection method: clinical testing. Allele origin: germline.

Blueprint Genetics
Classification: Likely benign. Last evaluated: 2024-10-02. Review status: criteria provided, single submitter. Criteria: ACMG Guidelines, 2015. Collection method: clinical testing. Allele origin: germline.